The following is an entry in ClinVar:

ClinVar aggregate classification (germline): Uncertain significance (1 of 4 stars; one submission).

Conditions:
Agammaglobulinemia 4, autosomal recessive (AGM4). Also called: AGAMMAGLOBULINEMIA, AUTOSOMAL RECESSIVE, DUE TO BLNK DEFECT; B cell linker protein deficiency. Identifiers: MedGen C3150752, MONDO:0013289, OMIM 613502.

Submission:

Labcorp Genetics (formerly Invitae), Labcorp
Classification: Uncertain significance for Agammaglobulinemia 4, autosomal recessive. Last evaluated: 2021-10-14. Review status: criteria provided, single submitter. Criteria: Invitae Variant Classification Sherloc (09022015). Collection method: clinical testing. Allele origin: germline.
Comment: Algorithms developed to predict the effect of missense changes on protein structure and function output the following: SIFT: "Tolerated"; PolyPhen-2: "Benign"; Align-GVGD: "Class C0". The glycine amino acid residue is found in multiple mammalian species, which suggests that this missense change does not adversely affect protein function. This variant has not been reported in the literature in individuals affected with BLNK-related conditions. This variant is not present in population databases (ExAC no frequency). This sequence change replaces cysteine with glycine at codon 343 of the BLNK protein (p.Cys343Gly). The cysteine residue is weakly conserved and there is a large physicochemical difference between cysteine and glycine. In summary, the available evidence is currently insufficient to determine the role of this variant in disease. Therefore, it has been classified as a Variant of Uncertain Significance.

NM_013314.4(BLNK):c.1027T>G (p.Cys343Gly)

Genes: BLNK (B cell linker; minus strand), ZNF518A (zinc finger protein 518A; plus strand). Cytogenetic location: 10q24.1.
Variant type: single nucleotide variant.
Coding change: c.1027T>G on transcript NM_013314.4 (MANE Select); coding-DNA position 1027, T replaced by G.
Protein change: p.Cys343Gly; replaces cysteine 343 with glycine.
Molecular consequence: missense variant. On other transcripts: non-coding transcript variant (4).
Genome position (GRCh38, 1-based): chr10:96,200,143, A>C on the plus strand (T>G on the coding strand, the complement: BLNK is on the minus strand). VCF-style: chr10-96200143-A-C. GRCh37 (hg19) VCF-style: chr10-97959899-A-C.
Other names: c.958T>G, p.Cys320Gly (NM_001114094.2, NM_001258441.2); c.1027T>G, p.Cys343Gly (NM_001258440.2); c.712T>G, p.Cys238Gly (NM_001258442.2); short protein forms C238G, C320G, C343G.
Identifiers: ClinVar variation 1356004 (VCV001356004.6), dbSNP rs2133946404, ClinGen allele CA377718197.